The following is an entry in ClinVar:

ClinVar aggregate classification (germline): Uncertain significance (1 of 4 stars; one submission).

Submission:

CeGaT Center for Human Genetics Tuebingen
Classification: Uncertain significance. Last evaluated: 2025-09-01. Review status: criteria provided, single submitter. Criteria: CeGaT Center For Human Genetics Tuebingen Variant Classification Criteria Version 2. Collection method: clinical testing. Allele origin: germline. Affected: yes. Observed: 1 variant allele.
Comment: TMEM222: PM2, PVS1:Moderate

NM_032125.3(TMEM222):c.622del (p.Arg208fs)

Gene: TMEM222 (transmembrane protein 222; plus strand). Cytogenetic location: 1p36.11.
Variant type: Deletion.
Coding change: c.622del on transcript NM_032125.3 (MANE Select); coding-DNA position 622, one base deleted (C; older notation c.622delC).
Protein change: p.Arg208fs; shifts the reading frame from arginine 208.
Molecular consequence: frameshift variant. On other transcripts: non-coding transcript variant (3).
Genome position (GRCh38, 1-based): chr1:27,335,461, C deleted; the last of 2 consecutive C bases (chr1:27,335,460-27,335,461); deleting either gives the same sequence. VCF-style (leftmost placement, unchanged base first): chr1-27335459-TC-T. GRCh37 (hg19) VCF-style: chr1-27661950-TC-T.
Other names: short protein forms R208fs.
Identifiers: ClinVar variation 4281075 (VCV004281075.7).